The following is an entry in ClinVar:

ClinVar aggregate classification (germline): Uncertain significance. Review status: criteria provided, multiple submitters, no conflicts (2 of 4 stars). 2 submissions from 2 submitters: Uncertain significance (2). Last evaluated 2026-02-17.

Conditions:
XYLT2-related disorder. Also called: XYLT2-related condition.
Inborn genetic diseases. Identifiers: MedGen C0950123, MeSH D030342.

gnomAD v4.1: 28 of 1,612,374 alleles (0.0017%); highest among the groups gnomAD compares: South Asian, 0.016%; no homozygotes.

Submissions (2):

PreventionGenetics, part of Exact Sciences
Classification: Uncertain significance for XYLT2-related condition. Last evaluated: 2026-02-17. Review status: criteria provided, single submitter. Criteria: ACMG Guidelines, 2015. Collection method: clinical testing. Allele origin: germline.
Comment: The XYLT2 c.689C>T variant is predicted to result in the amino acid substitution p.Pro230Leu. To our knowledge, this variant has not been reported in the literature. This variant is reported in 0.013% of alleles in individuals of South Asian descent in gnomAD. At this time, the clinical significance of this variant is uncertain due to the absence of conclusive functional and genetic evidence.

Ambry Genetics
Classification: Uncertain significance for Inborn genetic diseases. Last evaluated: 2025-08-24. Review status: criteria provided, single submitter. Criteria: Ambry Variant Classification Scheme 2023. Collection method: clinical testing. Allele origin: germline.

NM_022167.4(XYLT2):c.689C>T (p.Pro230Leu)

Gene: XYLT2 (xylosyltransferase 2; plus strand). Cytogenetic location: 17q21.33.
Variant type: single nucleotide variant.
Coding change: c.689C>T on transcript NM_022167.4 (MANE Select); coding-DNA position 689, C replaced by T.
Protein change: p.Pro230Leu; replaces proline 230 with leucine.
Molecular consequence: missense variant.
Genome position (GRCh38, 1-based): chr17:50,354,468, C>T. VCF-style: chr17-50354468-C-T. GRCh37 (hg19) VCF-style: chr17-48431829-C-T.
Other names: c.689C>T (NM_022167.3); short protein forms P230L.
Identifiers: ClinVar variation 4203022 (VCV004203022.2).